The following is an entry in ClinVar:

NM_001042492.3(NF1):c.2666C>T (p.Thr889Ile)

Gene: NF1 (neurofibromin 1; plus strand). Cytogenetic location: 17q11.2.
Variant type: single nucleotide variant.
Coding change: c.2666C>T on transcript NM_001042492.3 (MANE Select); coding-DNA position 2666, C replaced by T.
Protein change: p.Thr889Ile; replaces threonine 889 with isoleucine.
Molecular consequence: missense variant.
Genome position (GRCh38, 1-based): chr17:31,229,281, C>T. VCF-style: chr17-31229281-C-T. GRCh37 (hg19) VCF-style: chr17-29556299-C-T.
Other names: c.2666C>T, p.Thr889Ile (NM_000267.4); short protein forms T889I.
Identifiers: ClinVar variation 2677195 (VCV002677195.2), dbSNP rs369912079, ClinGen allele CA398984834.

ClinVar aggregate classification (germline): Uncertain significance. Review status: criteria provided, multiple submitters, no conflicts (2 of 4 stars). 2 submissions from 2 submitters: Uncertain significance (2). Last evaluated 2023-08-29.

Conditions:
Cardiovascular phenotype. Identifiers: MedGen CN230736.
Hereditary cancer-predisposing syndrome. Also called: Neoplastic Syndromes, Hereditary; Tumor predisposition; Hereditary Cancer Syndrome; Hereditary neoplastic syndrome. Identifiers: Orphanet 140162, MedGen C0027672, MeSH D009386, MONDO:0015356.
Juvenile myelomonocytic leukemia (JMML). Also called: LEUKEMIA, JUVENILE MYELOMONOCYTIC, SOMATIC. Identifiers: Orphanet 86834, MedGen C0349639, MONDO:0011908, OMIM 607785, HP:0012209.

Submissions (2):

Baylor Genetics
Classification: Uncertain significance for Juvenile myelomonocytic leukemia. Last evaluated: 2023-08-29. Review status: criteria provided, single submitter. Criteria: ACMG Guidelines, 2015. Collection method: clinical testing. Allele origin: unknown.

Ambry Genetics
Classification: Uncertain significance for Cardiovascular phenotype; Hereditary cancer-predisposing syndrome. Last evaluated: 2023-04-26. Review status: criteria provided, single submitter. Criteria: Ambry Variant Classification Scheme 2023. Collection method: clinical testing. Allele origin: germline.
Comment: The p.T889I variant (also known as c.2666C>T), located in coding exon 21 of the NF1 gene, results from a C to T substitution at nucleotide position 2666. The threonine at codon 889 is replaced by isoleucine, an amino acid with similar properties. This amino acid position is highly conserved in available vertebrate species. In addition, the in silico prediction for this alteration is inconclusive. Since supporting evidence is limited at this time, the clinical significance of this alteration remains unclear.